The following is an entry in ClinVar:

NC_000001.10:g.(?_948954)_(949858_?)dup

Gene: ISG15 (ISG15 ubiquitin like modifier; plus strand). Cytogenetic location: 1p36.33.
Variant type: Duplication.
Identifiers: ClinVar variation 3247846 (VCV003247846.1).

ClinVar aggregate classification (germline): Uncertain significance (1 of 4 stars; one submission).

Conditions:
Mendelian susceptibility to mycobacterial diseases due to complete ISG15 deficiency. Also called: IMMUNODEFICIENCY 38, MYCOBACTERIOSIS, AUTOSOMAL RECESSIVE; ISG15 DEFICIENCY, AUTOSOMAL RECESSIVE; Immunodeficiency 38 with basal ganglia calcification; Immunodeficiency 38. Identifiers: Orphanet 319563, MedGen C4015293, MONDO:0014502, OMIM 616126.

Submission:

Labcorp Genetics (formerly Invitae), Labcorp
Classification: Uncertain significance for Mendelian susceptibility to mycobacterial diseases due to complete ISG15 deficiency. Last evaluated: 2023-12-11. Review status: criteria provided, single submitter. Criteria: Invitae Variant Classification Sherloc (09022015). Collection method: clinical testing. Allele origin: unknown.
Comment: A copy number gain of the genomic region encompassing the full coding sequence of the ISG15 gene has been identified. The boundaries of this event are unknown as they extend beyond the assayed region for this gene and therefore may encompass additional genes. As the precise location of this event is unknown, it may be in tandem or it may be located elsewhere in the genome. This variant has not been reported in the literature in individuals affected with ISG15-related conditions. In summary, the available evidence is currently insufficient to determine the role of this variant in disease. Therefore, it has been classified as a Variant of Uncertain Significance.